The following is an entry in ClinVar:

NM_001457.4(FLNB):c.4495G>A (p.Asp1499Asn)

Gene: FLNB (filamin B; plus strand). Cytogenetic location: 3p14.3.
Variant type: single nucleotide variant.
Coding change: c.4495G>A on transcript NM_001457.4 (MANE Select); coding-DNA position 4495, G replaced by A.
Protein change: p.Asp1499Asn; replaces aspartic acid 1499 with asparagine.
Molecular consequence: missense variant.
Genome position (GRCh38, 1-based): chr3:58,132,912, G>A. VCF-style: chr3-58132912-G-A. GRCh37 (hg19) VCF-style: chr3-58118639-G-A.
Other names: c.4588G>A, p.Asp1530Asn (NM_001164317.2); c.4495G>A, p.Asp1499Asn (NM_001164318.2, NM_001164319.2); short protein forms D1499N, D1530N.
Identifiers: ClinVar variation 419145 (VCV000419145.25), dbSNP rs150445941, ClinGen allele CA2468786.
Genomic context (GRCh38, chr3:58,132,912, plus strand): 5'-CACACAGTAACCTACACCCCATCTCAGGAGGGACCTTACATGGTCTCAGTTAAATATGCT[G>A]ATGAAGAGATTCCTCGCAGGTAAGCTCCATCCATCTGCCCATCCATTCCTCCATCAGTCT-3'
Protein context (NP_001448.2, residues 1489-1509): GPYMVSVKYA[Asp1499Asn]EEIPRSPFKV

ClinVar aggregate classification (germline): Conflicting classifications of pathogenicity. Review status: criteria provided, conflicting classifications (1 of 4 stars). 8 submissions from 8 submitters: Uncertain significance (3); Likely benign (3). 2 of the submissions do not count toward it. Last evaluated 2026-02-02.

Conditions:
FLNB-Related Spectrum Disorders.
FLNB-related disorder. Also called: FLNB-related condition; FLNB-related disorders. Identifiers: MedGen CN381095.
Inborn genetic diseases. Identifiers: MedGen C0950123, MeSH D030342.
Connective tissue disorder. Also called: Connective tissue disease. Identifiers: MedGen C0009782, MONDO:0003900.

Allele frequency attached by ClinVar (database versions not stated): 1000 Genomes Project 30x 0.00016; 1000 Genomes Project 0.00020; ExAC 0.00038; gnomAD exomes 0.00043 and 0.00045; TOPMed 0.00043; gnomAD 0.00046; ESP Exome Variant Server 0.00077.
gnomAD v4.1: 731 of 1,613,864 alleles (0.045%); highest among the groups gnomAD compares: Non-Finnish European, 0.039%; 1 homozygote.

Submissions (8):

Labcorp Genetics (formerly Invitae), Labcorp
Classification: Likely benign. Last evaluated: 2026-02-02. Review status: criteria provided, single submitter. Criteria: Invitae Variant Classification Sherloc (09022015). Collection method: clinical testing. Allele origin: germline.

Blueprint Genetics
Classification: Uncertain significance. Last evaluated: 2024-07-29. Review status: criteria provided, single submitter. Criteria: ACMG Guidelines, 2015. Collection method: clinical testing. Allele origin: germline.

GeneDx
Classification: Likely benign. Last evaluated: 2024-02-26. Review status: criteria provided, single submitter. Criteria: GeneDx Variant Classification Process June 2021. Collection method: clinical testing. Allele origin: germline. Affected: yes.
Comment: See Variant Classification Assertion Criteria.

Ambry Genetics
Classification: Likely benign for Inborn genetic diseases. Last evaluated: 2021-12-28. Review status: criteria provided, single submitter. Criteria: Ambry Variant Classification Scheme 2023. Collection method: clinical testing. Allele origin: germline.

Genome Diagnostics Laboratory, The Hospital for Sick Children
Classification: Uncertain significance for Connective tissue disorder. Last evaluated: 2019-12-01. Review status: criteria provided, single submitter. Criteria: ACMG Guidelines, 2015. Collection method: clinical testing. Allele origin: germline.

Illumina Laboratory Services, Illumina
Classification: Uncertain significance for FLNB-Related Spectrum Disorders. Last evaluated: 2018-01-12. Review status: criteria provided, single submitter. Criteria: ICSL Variant Classification Criteria 13 December 2019. Collection method: clinical testing. Allele origin: germline.

PreventionGenetics, part of Exact Sciences
Classification: Likely benign for FLNB-related condition. Last evaluated: 2019-09-17. Review status: no assertion criteria provided. Collection method: clinical testing. Allele origin: germline. Not counted in ClinVar's aggregate classification.
Comment: This variant is classified as likely benign based on ACMG/AMP sequence variant interpretation guidelines (Richards et al. 2015 PMID: 25741868, with internal and published modifications).

Department of Pathology and Laboratory Medicine, Sinai Health System
Classification: Uncertain significance. Review status: no assertion criteria provided. Collection method: clinical testing. Allele origin: unknown. Affected: yes. Study: The Canadian Open Genetics Repository (COGR). Not counted in ClinVar's aggregate classification.
Comment: The FLNB p.Asp1499Asn variant was not identified in the literature nor was it identified in LOVD 3.0. The variant was identified in dbSNP (ID: rs150445941) and ClinVar (classified as a VUS by GeneDx). The variant was also identified in control databases in 123 of 282190 chromosomes at a frequency of 0.0004359 increasing the likelihood this could be a low frequency benign variant (Genome Aggregation Database March 6, 2019, v2.1.1). The variant was observed in the following populations: Ashkenazi Jewish in 62 of 10356 chromosomes (freq: 0.005987), European (non-Finnish) in 51 of 128894 chromosomes (freq: 0.000396), Other in 2 of 7206 chromosomes (freq: 0.000278), Latino in 6 of 35356 chromosomes (freq: 0.00017), African in 1 of 24912 chromosomes (freq: 0.00004) and South Asian in 1 of 30418 chromosomes (freq: 0.000033), but was not observed in the East Asian or European (Finnish) populations. The p.Asp1499 residue is conserved in mammals and computational analyses (PolyPhen-2, SIFT, AlignGVGD, BLOSUM, MutationTaster) provide inconsistent predictions regarding the impact to the protein; this information is not very predictive of pathogenicity. The variant occurs outside of the splicing consensus sequence and in silico or computational prediction software programs (SpliceSiteFinder, MaxEntScan, NNSPLICE, GeneSplicer) do not predict a difference in splicing. In summary, based on the above information the clinical significance of this variant cannot be determined with certainty at this time. This variant is classified as a variant of uncertain significance.